The following is an entry in ClinVar:

ClinVar aggregate classification (germline): Pathogenic (1 of 4 stars; one submission).

Conditions:
Kabuki syndrome 1 (KABUK1). Also called: KMT2D-Related Kabuki Syndrome. Identifiers: Orphanet 2322, MedGen CN030661, MONDO:0007843, OMIM 147920.

Submission:

3billion
Classification: Pathogenic for Kabuki syndrome 1. Last evaluated: 2021-10-02. Review status: criteria provided, single submitter. Criteria: ACMG Guidelines, 2015. Collection method: clinical testing. Allele origin: germline. Affected: yes. Observed: 1 heterozygote.
Comment: Frameshift: predicted to result in a loss or disruption of normal protein function through nonsense-mediated decay (NMD) or protein truncation. Multiple pathogenic variants are reported downstream of the variant (PVS1_VS). The variant was observed as assumed (i.e. paternity and maternity not confirmed) de novoo (3billion dataset, PM6). It is not observed in the gnomAD v2.1.1 dataset (PM2). Therefore, this variant is classified as pathogenic according to the recommendation of ACMG/AMP guideline.

NM_003482.4(KMT2D):c.7407_7408insT (p.Pro2470fs)

Gene: KMT2D (lysine methyltransferase 2D; minus strand). Cytogenetic location: 12q13.12.
Variant type: Insertion.
Coding change: c.7407_7408insT on transcript NM_003482.4 (MANE Select); coding-DNA positions 7407 to 7408, T inserted.
Protein change: p.Pro2470fs; shifts the reading frame from proline 2470.
Molecular consequence: frameshift variant.
Genome position: GRCh38 VCF-style: chr12-49040362-G-GA. GRCh37 (hg19) VCF-style: chr12-49434145-G-GA.
Other names: short protein forms P2470fs.
Identifiers: ClinVar variation 1320100 (VCV001320100.1), dbSNP rs2120527860, ClinGen allele CA2573053689.
Genomic context (GRCh38, chr12:49,040,362, plus strand): 5'-CCAGCGAAGTGTGGGCTAGAGACCCAGCCTTAAAGGCAACTTCAGGGGGCTGGGGTCGGG[G>GA]TGGCTTATGCAATGGGGCAAATGGGTCACGGGACTGAGGGCGTGAGGGTGGGCGAGAATA-3'